The following is an entry in ClinVar:

ClinVar aggregate classification (germline): Conflicting classifications of pathogenicity. Review status: criteria provided, conflicting classifications (1 of 4 stars). 2 submissions from 2 submitters: Uncertain significance (1); Likely benign (1). Last evaluated 2022-03-22.

Conditions:
Hyperkalemic periodic paralysis. Also called: Familial hyperkalemic periodic paralysis; Gamstorp disease. Identifiers: Orphanet 682, MedGen C0238357, MONDO:0008224, OMIM 170500, HP:0007215.

Submissions (2):

GeneDx
Classification: Uncertain significance. Last evaluated: 2022-03-22. Review status: criteria provided, single submitter. Criteria: GeneDx Variant Classification Process June 2021. Collection method: clinical testing. Allele origin: germline. Affected: yes.
Comment: Not observed at significant frequency in large population cohorts (gnomAD); In silico analysis supports that this variant does not alter splicing; Has not been previously published as pathogenic or benign to our knowledge

Labcorp Genetics (formerly Invitae), Labcorp
Classification: Likely benign for Hyperkalemic periodic paralysis. Last evaluated: 2021-12-22. Review status: criteria provided, single submitter. Criteria: Invitae Variant Classification Sherloc (09022015). Collection method: clinical testing. Allele origin: germline.

NM_000334.4(SCN4A):c.1326C>A (p.Ile442=)

Gene: SCN4A (sodium voltage-gated channel alpha subunit 4; minus strand). Cytogenetic location: 17q23.3.
Variant type: single nucleotide variant.
Coding change: c.1326C>A on transcript NM_000334.4 (MANE Select); coding-DNA position 1326, C replaced by A.
Protein change: p.Ile442=; no amino-acid change (isoleucine 442 retained).
Molecular consequence: synonymous variant.
Genome position (GRCh38, 1-based): chr17:63,964,594, G>T on the plus strand (C>A on the coding strand, the complement: SCN4A is on the minus strand). VCF-style: chr17-63964594-G-T. GRCh37 (hg19) VCF-style: chr17-62041954-G-T.
Identifiers: ClinVar variation 1707182 (VCV001707182.7), dbSNP rs1909376846, ClinGen allele CA501226241.